The following is an entry in ClinVar:

ClinVar aggregate classification (germline): Uncertain significance (1 of 4 stars; one submission).

Conditions:
Very long chain acyl-CoA dehydrogenase deficiency (ACADVLD). Also called: Very Long-Chain Acyl-Coenzyme A Dehydrogenase Deficiency; VLCAD Deficiency. Identifiers: Orphanet 26793, MedGen C3887523, MONDO:0008723, OMIM 201475.

Submission:

Labcorp Genetics (formerly Invitae), Labcorp
Classification: Uncertain significance for Very long chain acyl-CoA dehydrogenase deficiency. Last evaluated: 2025-08-09. Review status: criteria provided, single submitter. Criteria: Invitae Variant Classification Sherloc (09022015). Collection method: clinical testing. Allele origin: germline.
Comment: This sequence change falls in intron 18 of the ACADVL gene. It does not directly change the encoded amino acid sequence of the ACADVL protein. It affects a nucleotide within the consensus splice site. This variant is not present in population databases (gnomAD no frequency). This variant has not been reported in the literature in individuals affected with ACADVL-related conditions. Variants that disrupt the consensus splice site are a relatively common cause of aberrant splicing (PMID: 17576681, 9536098). Algorithms developed to predict the effect of sequence changes on RNA splicing suggest that this variant may disrupt the consensus splice site. In summary, the available evidence is currently insufficient to determine the role of this variant in disease. Therefore, it has been classified as a Variant of Uncertain Significance.

Literature cited by the submitters: PubMed 17576681; PubMed 9536098.

NM_000018.4(ACADVL):c.1751+5G>A

Gene: ACADVL (acyl-CoA dehydrogenase very long chain; plus strand). Cytogenetic location: 17p13.1.
Variant type: single nucleotide variant.
Coding change: c.1751+5G>A on transcript NM_000018.4 (MANE Select); 5 bases into the intron after coding-DNA position 1751, G replaced by A.
Molecular consequence: intron variant.
Genome position (GRCh38, 1-based): chr17:7,224,719, G>A. VCF-style: chr17-7224719-G-A. GRCh37 (hg19) VCF-style: chr17-7128038-G-A.
Other names: c.1820+5G>A (NM_001270447.2); c.1523+5G>A (NM_001270448.2); c.1685+5G>A (NM_001033859.3).
Identifiers: ClinVar variation 4715465 (VCV004715465.1).